The following is an entry in ClinVar:

ClinVar aggregate classification (germline): Uncertain significance (1 of 4 stars; one submission).

Conditions:
Neurofibromatosis, type 1 (NF1). Also called: VON RECKLINGHAUSEN DISEASE; Peripheral type neurofibromatosis; Neurofibromatosis, type I; NEUROFIBROMATOSIS, TYPE I, SOMATIC. Identifiers: Orphanet 636, MedGen C0027831, MONDO:0018975, OMIM 162200. Disease mechanism: loss of function.

Submission:

Labcorp Genetics (formerly Invitae), Labcorp
Classification: Uncertain significance for Neurofibromatosis, type 1. Last evaluated: 2019-08-29. Review status: criteria provided, single submitter. Criteria: Invitae Variant Classification Sherloc (09022015). Collection method: clinical testing. Allele origin: germline.
Comment: In summary, the available evidence is currently insufficient to determine the role of this variant in disease. Therefore, it has been classified as a Variant of Uncertain Significance. Algorithms developed to predict the effect of missense changes on protein structure and function are either unavailable or do not agree on the potential impact of this missense change (SIFT: "Deleterious"; PolyPhen-2: "Probably Damaging"; Align-GVGD: "Class C0"). This variant has not been reported in the literature in individuals with NF1-related conditions. This variant is not present in population databases (ExAC no frequency). This sequence change replaces alanine with proline at codon 2298 of the NF1 protein (p.Ala2298Pro). The alanine residue is highly conserved and there is a small physicochemical difference between alanine and proline.

NM_001042492.3(NF1):c.6955G>C (p.Ala2319Pro)

Gene: NF1 (neurofibromin 1; plus strand). Cytogenetic location: 17q11.2.
Variant type: single nucleotide variant.
Coding change: c.6955G>C on transcript NM_001042492.3 (MANE Select); coding-DNA position 6955, G replaced by C.
Protein change: p.Ala2319Pro; replaces alanine 2319 with proline.
Molecular consequence: missense variant.
Genome position (GRCh38, 1-based): chr17:31,340,538, G>C. VCF-style: chr17-31340538-G-C. GRCh37 (hg19) VCF-style: chr17-29667556-G-C.
Other names: c.6892G>C, p.Ala2298Pro (NM_000267.4); short protein forms A2319P, A2298P.
Identifiers: ClinVar variation 933812 (VCV000933812.6), dbSNP rs786203881, ClinGen allele CA399014911.